The following is an entry in ClinVar:

ClinVar aggregate classification (germline): Conflicting classifications of pathogenicity. Review status: criteria provided, conflicting classifications (1 of 4 stars). 11 submissions from 11 submitters: Likely pathogenic (1); Uncertain significance (10). Last evaluated 2025-12-29.

Conditions:
PMS2-related disorder. Also called: PMS2-related condition.
Hereditary nonpolyposis colorectal neoplasms. Identifiers: MedGen C0009405, MeSH D003123.
Hereditary cancer-predisposing syndrome. Also called: Tumor predisposition; Hereditary Cancer Syndrome; Hereditary neoplastic syndrome; Neoplastic Syndromes, Hereditary. Identifiers: Orphanet 140162, MedGen C0027672, MeSH D009386, MONDO:0015356.
Lynch syndrome 4 (LYNCH4). Also called: Colorectal cancer, hereditary nonpolyposis, type 4; Hereditary non-polyposis colorectal cancer, type 4. Identifiers: Orphanet 144, MedGen C1838333, MONDO:0013699, OMIM 614337. Disease mechanism: loss of function.
Mismatch repair cancer syndrome 1 (MMRCS1). Also called: BRAIN TUMOR-POLYPOSIS SYNDROME 1; BTP1 SYNDROME; CHILDHOOD CANCER SYNDROME; MISMATCH REPAIR DEFICIENCY; MMR DEFICIENCY. Identifiers: Orphanet 252202, MedGen C5399763, MONDO:0010159, OMIM 276300. Disease mechanism: loss of function.
Lynch syndrome. Identifiers: Orphanet 144, MedGen C4552100, MONDO:0005835. Disease mechanism: loss of function.

Allele frequency attached by ClinVar (database versions not stated): gnomAD 0.00001 and 0.00002; gnomAD exomes 0.00001; TOPMed 0.00001.
gnomAD v4.1: 18 of 1,611,134 alleles (0.0011%); highest among the groups gnomAD compares: African/African-American, 0.0027%; no homozygotes.

Submissions (11):

Center for Genomic Medicine, Rigshospitalet, Copenhagen University Hospital
Classification: Uncertain significance. Last evaluated: 2025-12-29. Review status: criteria provided, single submitter. Criteria: ACMG Guidelines, 2015. Collection method: clinical testing. Allele origin: germline.

Labcorp Genetics (formerly Invitae), Labcorp
Classification: Uncertain significance for Hereditary nonpolyposis colorectal neoplasms. Last evaluated: 2025-12-10. Review status: criteria provided, single submitter. Criteria: Invitae Variant Classification Sherloc (09022015). Collection method: clinical testing. Allele origin: germline.
Comment: This sequence change replaces arginine, which is basic and polar, with histidine, which is basic and polar, at codon 169 of the PMS2 protein (p.Arg169His). This variant is present in population databases (rs730881917, gnomAD 0.002%). This missense change has been observed in individual(s) with breast cancer and clinical features of Lynch syndrome (PMID: 30039884, 31433215). ClinVar contains an entry for this variant (Variation ID: 182811). Invitae Evidence Modeling incorporating data from in vitro experimental studies (internal data) indicates that this missense variant is not expected to disrupt PMS2 function with a negative predictive value of 95%. Experimental studies have shown that this missense change affects PMS2 function (PMID: 35451539). In summary, the available evidence is currently insufficient to determine the role of this variant in disease. Therefore, it has been classified as a Variant of Uncertain Significance.

Ambry Genetics
Classification: Uncertain significance for Hereditary cancer-predisposing syndrome. Last evaluated: 2025-10-31. Review status: criteria provided, single submitter. Criteria: Ambry Variant Classification Scheme 2023. Collection method: clinical testing. Allele origin: germline.
Comment: The p.R169H variant (also known as c.506G>A), located in coding exon 5 of the PMS2 gene, results from a G to A substitution at nucleotide position 506. The arginine at codon 169 is replaced by histidine, an amino acid with highly similar properties. Using a Bayesian analysis that incorporates tumor mutation data, this variant was classified as a variant of uncertain significance (Shirts BH et al. Am J Hum Genet. 2018 Jul 5;103(1):19-29). In an in vitro complementation assay, this variant had reduced mismatch repair activity compared to wild type PMS2 (Rayner E et al. Hum Mutat, 2022 Sep;43:1249-1258). This amino acid position is highly conserved in available vertebrate species. In addition, this alteration is predicted to be deleterious by in silico analysis. Based on the available evidence, the clinical significance of this variant remains unclear.

GeneDx
Classification: Uncertain significance. Last evaluated: 2024-03-07. Review status: criteria provided, single submitter. Criteria: GeneDx Variant Classification Process June 2021. Collection method: clinical testing. Allele origin: germline. Affected: yes.
Comment: Not observed at significant frequency in large population cohorts (gnomAD); In silico analysis supports that this missense variant has a deleterious effect on protein structure/function; Published functional studies suggest a damaging effect: decreased MMR activity compared to wild type (PMID: 35451539); This variant is associated with the following publications: (PMID: 28912153, 30039884, 35451539, 11574484, 31433215, 34570441)

Baylor Genetics
Classification: Uncertain significance for Lynch syndrome 4. Last evaluated: 2024-01-02. Review status: criteria provided, single submitter. Criteria: ACMG Guidelines, 2015. Collection method: clinical testing. Allele origin: unknown.

Myriad Genetics, Inc.
Classification: Likely pathogenic for Lynch syndrome 4. Last evaluated: 2023-09-19. Review status: criteria provided, single submitter. Criteria: Myriad Autosomal Dominant, Autosomal Recessive and X-Linked Classification Criteria (2023). Collection method: clinical testing. Allele origin: unknown.
Comment: This variant is considered likely pathogenic. Functional studies indicate this variant impacts protein function [PMID: 35451539]. This variant is expected to disrupt protein structure [Myriad internal data].

All of Us Research Program, National Institutes of Health
Classification: Uncertain significance for Lynch syndrome. Last evaluated: 2023-08-28. Review status: criteria provided, single submitter. Criteria: ACMG Guidelines, 2015. Collection method: clinical testing. Allele origin: germline. Inheritance: Autosomal dominant inheritance. Observed: 1 variant allele, 1 heterozygote.
Comment: This missense variant replaces arginine with histidine at codon 169 of the PMS2 protein. Computational prediction is inconclusive regarding the impact of this variant on protein structure and function (internally defined REVEL score threshold 0.5 < inconclusive < 0.7, PMID: 27666373). A functional study analyzing somatic driver variants was inconclusive for this variant (PMID: 29887214). have not been reported for this variant. This variant has been reported in an individual affected with Lynch syndrome (PMID: 31433215) and an individual affected with breast cancer (PMID: 30039884). This variant has been identified in 3/281050 chromosomes in the general population by the Genome Aggregation Database (gnomAD). The available evidence is insufficient to determine the role of this variant in disease conclusively. Therefore, this variant is classified as a Variant of Uncertain Significance.

This study involves interpretation of variants in research participants for the purpose of population health screening. Participant phenotype was not available at the time of variant classification. Additional details can be found in publication PMID: 35346344, PMCID: PMC8962531

Color Diagnostics, LLC DBA Color Health
Classification: Uncertain significance for Hereditary cancer-predisposing syndrome. Last evaluated: 2023-08-17. Review status: criteria provided, single submitter. Criteria: ACMG Guidelines, 2015. Collection method: clinical testing. Allele origin: germline.
Comment: This missense variant replaces arginine with histidine at codon 169 of the PMS2 protein. Computational prediction suggests that this variant may have deleterious impact on protein structure and function (internally defined REVEL score threshold >= 0.7, PMID: 27666373). To our knowledge, functional studies have not been reported for this variant. This variant has been reported in an individual affected with Lynch syndrome (PMID: 31433215) and an individual affected with breast cancer (PMID: 30039884). This variant has been identified in 3/281050 chromosomes in the general population by the Genome Aggregation Database (gnomAD). The available evidence is insufficient to determine the role of this variant in disease conclusively. Therefore, this variant is classified as a Variant of Uncertain Significance.

PreventionGenetics, part of Exact Sciences
Classification: Uncertain significance for PMS2-related condition. Last evaluated: 2023-06-22. Review status: criteria provided, single submitter. Criteria: ACMG Guidelines, 2015. Collection method: clinical testing. Allele origin: germline.
Comment: The PMS2 c.506G>A variant is predicted to result in the amino acid substitution p.Arg169His. This variant has been reported in a patient with Lynch syndrome (Okkels et al. 2019. PubMed ID: 31433215), an individual with breast cancer (Dong et al. 2018. PubMed ID: 30039884), and in a study of somatic mutations in tumors (Table S3, Shirts et al. 2018. PubMed ID: 29887214). This variant is reported in 0.0023% of alleles in individuals of European (Non-Finnish) descent in gnomAD and is interpreted as uncertain in ClinVar. At this time, the clinical significance of this variant is uncertain due to the absence of conclusive functional and genetic evidence.

Fulgent Genetics
Classification: Uncertain significance for Mismatch repair cancer syndrome 1; Lynch syndrome 4. Last evaluated: 2018-10-31. Review status: criteria provided, single submitter. Criteria: ACMG Guidelines, 2015. Collection method: clinical testing. Allele origin: unknown.

University of Washington Department of Laboratory Medicine, University of Washington
Classification: Uncertain significance for Lynch syndrome. Last evaluated: 2018-05-01. Review status: criteria provided, single submitter. Criteria: Shirts BH et al. (Am J Hum Genet 2018). Collection method: clinical testing. Allele origin: somatic. Affected: yes.
Comment: PMS2 NM_000535.5:c.506G>A has a 60.9% probability of pathogenicity based on combining prior probability from public data with a likelihood ratio of 1.56 to 1, generated from evidence of seeing this as a somatic mutation in a tumor without loss of heterozygosity at the PMS2 locus. See Shirts et al 2018, PMID 29887214.

Literature cited by the submitters: PubMed 35451539 (cited by 4 submitters); PubMed 30039884 (cited by 3 submitters); PubMed 31433215 (cited by 3 submitters); PubMed 29887214 (cited by Ambry Genetics and All of Us Research Program, National Institutes of Health).

NM_000535.7(PMS2):c.506G>A (p.Arg169His)

Gene: PMS2 (PMS1 homolog 2, mismatch repair system component; minus strand). Cytogenetic location: 7p22.1.
Variant type: single nucleotide variant.
Coding change: c.506G>A on transcript NM_000535.7 (MANE Select); coding-DNA position 506, G replaced by A.
Protein change: p.Arg169His; replaces arginine 169 with histidine.
Molecular consequence: missense variant. On other transcripts: 5 prime UTR variant (2), non-coding transcript variant (1).
Genome position (GRCh38, 1-based): chr7:6,002,484, C>T on the plus strand (G>A on the coding strand, the complement: PMS2 is on the minus strand). VCF-style: chr7-6002484-C-T. GRCh37 (hg19) VCF-style: chr7-6042115-C-T.
Other names: p.R169H:CGC>CAC; c.101G>A, p.Arg34His (NM_001322003.2, NM_001322004.2, NM_001322005.2 and 3 more transcripts); c.506G>A, p.Arg169His (NM_001322006.2, NM_001322014.2); c.188G>A, p.Arg63His (NM_001322007.2, NM_001322008.2); c.-379G>A (NM_001322011.2, NM_001322012.2); c.197G>A, p.Arg66His (NM_001322015.2); short protein forms R169H, R34H, R63H, R66H.
Identifiers: ClinVar variation 182811 (VCV000182811.31), dbSNP rs730881917, ClinGen allele CA012229.